The following is an entry in ClinVar:

NM_015915.5(ATL1):c.70G>C (p.Glu24Gln)

Gene: ATL1 (atlastin GTPase 1; plus strand). Cytogenetic location: 14q22.1.
Variant type: single nucleotide variant.
Coding change: c.70G>C on transcript NM_015915.5 (MANE Select); coding-DNA position 70, G replaced by C.
Protein change: p.Glu24Gln; replaces glutamic acid 24 with glutamine.
Molecular consequence: missense variant.
Genome position (GRCh38, 1-based): chr14:50,587,866, G>C. VCF-style: chr14-50587866-G-C. GRCh37 (hg19) VCF-style: chr14-51054584-G-C.
Other names: c.70G>C, p.Glu24Gln (NM_001127713.1, NM_181598.4); short protein forms E24Q.
Identifiers: ClinVar variation 2151969 (VCV002151969.5), dbSNP rs763169900, ClinGen allele CA7180168.
Genomic context (GRCh38, chr14:50,587,866, plus strand): 5'-AACCAGTCACTGCTCTGTTCAACAGGTGGATTTTCGGAAAAGACATATGAATGGAGCTCA[G>C]AAGAGGAGGAGCCAGTGAAAAAGGCAGGACCAGTCCAAGTCCTCATTGTCAAAGATGACC-3'
Protein context (NP_056999.2, residues 14-34): FSEKTYEWSS[Glu24Gln]EEEPVKKAGP

ClinVar aggregate classification (germline): Conflicting classifications of pathogenicity. Review status: criteria provided, conflicting classifications (1 of 4 stars). 2 submissions from 2 submitters: Uncertain significance (1); Likely benign (1). Last evaluated 2024-07-06.

Conditions:
Hereditary spastic paraplegia 3A (SPG3A). Also called: Spastic paraplegia 3A, autosomal dominant; SPASTIC PARAPLEGIA 3, AUTOSOMAL DOMINANT; FAMILIAL SPASTIC PARAPLEGIA, AUTOSOMAL DOMINANT, 1; SPG3; STRUMPELL DISEASE; Spastic Paraplegia 3A. Identifiers: Orphanet 100984, MedGen C2931355, MONDO:0008437, OMIM 182600.
Inborn genetic diseases. Identifiers: MedGen C0950123, MeSH D030342.

Allele frequency attached by ClinVar (database versions not stated): gnomAD 0.00001; gnomAD exomes 0.00002; TOPMed 0.00002; ExAC 0.00003.
gnomAD v4.1: 15 of 1,614,066 alleles (0.00093%); highest among the groups gnomAD compares: Admixed American, 0.02%; no homozygotes.

Submissions (2):

Labcorp Genetics (formerly Invitae), Labcorp
Classification: Uncertain significance for Hereditary spastic paraplegia 3A. Last evaluated: 2024-07-06. Review status: criteria provided, single submitter. Criteria: Invitae Variant Classification Sherloc (09022015). Collection method: clinical testing. Allele origin: germline.
Comment: This sequence change replaces glutamic acid, which is acidic and polar, with glutamine, which is neutral and polar, at codon 24 of the ATL1 protein (p.Glu24Gln). This variant is present in population databases (rs763169900, gnomAD 0.03%). This variant has not been reported in the literature in individuals affected with ATL1-related conditions. ClinVar contains an entry for this variant (Variation ID: 2151969). Advanced modeling of protein sequence and biophysical properties (such as structural, functional, and spatial information, amino acid conservation, physicochemical variation, residue mobility, and thermodynamic stability) performed at Invitae indicates that this missense variant is not expected to disrupt ATL1 protein function with a negative predictive value of 95%. In summary, the available evidence is currently insufficient to determine the role of this variant in disease. Therefore, it has been classified as a Variant of Uncertain Significance.

Ambry Genetics
Classification: Likely benign for Inborn genetic diseases. Last evaluated: 2021-09-17. Review status: criteria provided, single submitter. Criteria: Ambry Variant Classification Scheme 2023. Collection method: clinical testing. Allele origin: germline.